The following is an entry in ClinVar:

ClinVar aggregate classification (germline): Uncertain significance (1 of 4 stars; one submission).

Conditions:
EGFR-related lung cancer (EGFR). Identifiers: MedGen CN130014.

Submission:

Labcorp Genetics (formerly Invitae), Labcorp
Classification: Uncertain significance for EGFR-related lung cancer. Last evaluated: 2026-01-18. Review status: criteria provided, single submitter. Criteria: Invitae Variant Classification Sherloc (09022015). Collection method: clinical testing. Allele origin: germline.
Comment: This sequence change replaces phenylalanine, which is neutral and non-polar, with leucine, which is neutral and non-polar, at codon 712 of the EGFR protein (p.Phe712Leu). This variant is not present in population databases (gnomAD no frequency). This variant has not been reported in the literature in individuals affected with EGFR-related conditions. Invitae Evidence Modeling of protein sequence and biophysical properties (such as structural, functional, and spatial information, amino acid conservation, physicochemical variation, residue mobility, and thermodynamic stability) indicates that this missense variant is not expected to disrupt EGFR protein function with a negative predictive value of 80%. In summary, the available evidence is currently insufficient to determine the role of this variant in disease. Therefore, it has been classified as a Variant of Uncertain Significance.

NM_005228.5(EGFR):c.2136C>G (p.Phe712Leu)

Gene: EGFR (epidermal growth factor receptor; plus strand). Cytogenetic location: 7p11.2.
Variant type: single nucleotide variant.
Coding change: c.2136C>G on transcript NM_005228.5 (MANE Select); coding-DNA position 2136, C replaced by G.
Protein change: p.Phe712Leu; replaces phenylalanine 712 with leucine.
Molecular consequence: missense variant.
Genome position (GRCh38, 1-based): chr7:55,173,995, C>G. VCF-style: chr7-55173995-C-G. GRCh37 (hg19) VCF-style: chr7-55241688-C-G.
Other names: c.2001C>G, p.Phe667Leu (NM_001346897.2, NM_001346899.2); c.2136C>G, p.Phe712Leu (NM_001346898.2); c.1977C>G, p.Phe659Leu (NM_001346900.2); c.1335C>G, p.Phe445Leu (NM_001346941.2); short protein forms F667L, F445L, F659L, F712L.
Identifiers: ClinVar variation 4744686 (VCV004744686.1).